The following is an entry in ClinVar:

NM_001001671.4(MAP3K15):c.3708C>A (p.Tyr1236Ter)

Genes: MAP3K15 (mitogen-activated protein kinase kinase kinase 15; minus strand), PDHA1 (pyruvate dehydrogenase E1 subunit alpha 1; plus strand). Cytogenetic location: Xp22.12.
Variant type: single nucleotide variant.
Coding change: c.3708C>A on transcript NM_001001671.4 (MANE Select); coding-DNA position 3708, C replaced by A.
Protein change: p.Tyr1236Ter; replaces tyrosine 1236 with a stop codon.
Molecular consequence: nonsense. On other transcripts: 3 prime UTR variant (4).
Genome position (GRCh38, 1-based): chrX:19,361,565, G>T on the plus strand (C>A on the coding strand, the complement: MAP3K15 is on the minus strand). VCF-style: chrX-19361565-G-T. GRCh37 (hg19) VCF-style: chrX-19379683-G-T.
Other names: c.*1912G>T (NM_000284.4, NM_001173454.2, NM_001173455.2 and 1 more transcripts); short protein forms Y1236*.
Identifiers: ClinVar variation 5041351 (VCV005041351.1).

ClinVar aggregate classification (germline): Likely benign (1 of 4 stars; one submission).

gnomAD v4.1: 67 of 1,207,618 alleles (0.0055%); highest among the groups gnomAD compares: Non-Finnish European, 0.0073%; no homozygotes.

Submission:

CeGaT Center for Human Genetics Tuebingen
Classification: Likely benign. Last evaluated: 2026-09-01. Review status: criteria provided, single submitter. Criteria: CeGaT Center For Human Genetics Tuebingen Variant Classification Criteria Version 2. Collection method: clinical testing. Allele origin: germline. Affected: yes. Observed: 1 variant allele.
Comment: MAP3K15: BS2